The following is an entry in ClinVar:

ClinVar aggregate classification (germline): Uncertain significance (1 of 4 stars; one submission).

Conditions:
Hereditary cancer-predisposing syndrome. Also called: Tumor predisposition; Hereditary Cancer Syndrome; Hereditary neoplastic syndrome; Neoplastic Syndromes, Hereditary. Identifiers: Orphanet 140162, MedGen C0027672, MeSH D009386, MONDO:0015356.

Submission:

Ambry Genetics
Classification: Uncertain significance for Hereditary cancer-predisposing syndrome. Last evaluated: 2024-05-26. Review status: criteria provided, single submitter. Criteria: Ambry Variant Classification Scheme 2023. Collection method: clinical testing. Allele origin: germline.
Comment: The p.I290M variant (also known as c.870A>G), located in coding exon 8 of the FANCC gene, results from an A to G substitution at nucleotide position 870. The isoleucine at codon 290 is replaced by methionine, an amino acid with highly similar properties. This amino acid position is conserved. In addition, the in silico prediction for this alteration is inconclusive. Based on the available evidence, the clinical significance of this variant remains unclear.

NM_000136.3(FANCC):c.870A>G (p.Ile290Met)

Genes: AOPEP (aminopeptidase O (putative); plus strand), FANCC (FA complementation group C; minus strand). Cytogenetic location: 9q22.32.
Variant type: single nucleotide variant.
Coding change: c.870A>G on transcript NM_000136.3 (MANE Select); coding-DNA position 870, A replaced by G.
Protein change: p.Ile290Met; replaces isoleucine 290 with methionine.
Molecular consequence: missense variant.
Genome position (GRCh38, 1-based): chr9:95,126,555, T>C on the plus strand (A>G on the coding strand, the complement: FANCC is on the minus strand). VCF-style: chr9-95126555-T-C. GRCh37 (hg19) VCF-style: chr9-97888837-T-C.
Other names: c.870A>G, p.Ile290Met (NM_001243743.2, NM_001243744.2); short protein forms I290M.
Identifiers: ClinVar variation 3277648 (VCV003277648.1).